The following is an entry in ClinVar:

NM_001128840.3(CACNA1D):c.2162C>T (p.Pro721Leu)

Gene: CACNA1D (calcium voltage-gated channel subunit alpha1 D; plus strand). Cytogenetic location: 3p21.1.
Variant type: single nucleotide variant.
Coding change: c.2162C>T on transcript NM_001128840.3 (MANE Select); coding-DNA position 2162, C replaced by T.
Protein change: p.Pro721Leu; replaces proline 721 with leucine.
Molecular consequence: missense variant.
Genome position (GRCh38, 1-based): chr3:53,726,940, C>T. VCF-style: chr3-53726940-C-T. GRCh37 (hg19) VCF-style: chr3-53760967-C-T.
Other names: c.2222C>T, p.Pro741Leu (NM_000720.4); c.2162C>T, p.Pro721Leu (NM_001128839.3); short protein forms P721L, P741L.
Identifiers: ClinVar variation 3377495 (VCV003377495.1).

ClinVar aggregate classification (germline): Uncertain significance (1 of 4 stars; one submission).

Conditions:
Aldosterone-producing adenoma with seizures and neurological abnormalities. Also called: Primary aldosteronism, seizures, and neurologic abnormalities. Identifiers: Orphanet 369929, MedGen C3809609, MONDO:0014200, OMIM 615474.

Submission:

Victorian Clinical Genetics Services, Murdoch Childrens Research Institute
Classification: Uncertain significance for Aldosterone-producing adenoma with seizures and neurological abnormalities. Last evaluated: 2019-08-28. Review status: criteria provided, single submitter. Criteria: ACMG Guidelines, 2015. Collection method: clinical testing. Allele origin: germline. Affected: yes.
Comment: A heterozygous missense variant was identified, NM_000720.3(CACNA1D):c.2222C>T in exon 16 of 49 of the CACNA1D gene. This substitution is predicted to create a moderate amino acid change from proline to leucine at position 741 of the protein, NP_000711.1(CACNA1D):p.(Pro741Leu). The proline at this position has very high conservation (100 vertebrates, UCSC), and is located within the Ion_trans functional domain. In silico software predicts this variant to be pathogenic (PolyPhen, SIFT, CADD, MutationTaster). The variant is not present in the gnomAD population database. It has not been previously reported in clinical cases. Based on information available at the time of curation, this variant has been classified as a VARIANT of UNCERTAIN SIGNIFICANCE (VUS).